The following is an entry in ClinVar:

ClinVar aggregate classification (germline): Uncertain significance (1 of 4 stars; one submission).

Conditions:
DYRK1A-related intellectual disability syndrome (MRD7). Also called: Intellectual developmental disorder, autosomal dominant 7; DYRK1A Syndrome. Identifiers: Orphanet 464306, MedGen C5568143, MONDO:0013578, OMIM 614104.

Submission:

Labcorp Genetics (formerly Invitae), Labcorp
Classification: Uncertain significance for DYRK1A-related intellectual disability syndrome. Last evaluated: 2023-05-25. Review status: criteria provided, single submitter. Criteria: Invitae Variant Classification Sherloc (09022015). Collection method: clinical testing. Allele origin: germline.
Comment: In summary, the available evidence is currently insufficient to determine the role of this variant in disease. Therefore, it has been classified as a Variant of Uncertain Significance. Advanced modeling of protein sequence and biophysical properties (such as structural, functional, and spatial information, amino acid conservation, physicochemical variation, residue mobility, and thermodynamic stability) performed at Invitae indicates that this missense variant is not expected to disrupt DYRK1A protein function. This variant has not been reported in the literature in individuals affected with DYRK1A-related conditions. This variant is not present in population databases (gnomAD no frequency). This sequence change replaces alanine, which is neutral and non-polar, with threonine, which is neutral and polar, at codon 388 of the DYRK1A protein (p.Ala388Thr).

NM_001347721.2(DYRK1A):c.1135G>A (p.Ala379Thr)

Gene: DYRK1A (dual specificity tyrosine phosphorylation regulated kinase 1A; plus strand). Cytogenetic location: 21q22.13.
Variant type: single nucleotide variant.
Coding change: c.1135G>A on transcript NM_001347721.2 (MANE Select); coding-DNA position 1135, G replaced by A.
Protein change: p.Ala379Thr; replaces alanine 379 with threonine.
Molecular consequence: missense variant.
Genome position (GRCh38, 1-based): chr21:37,496,181, G>A. VCF-style: chr21-37496181-G-A. GRCh37 (hg19) VCF-style: chr21-38868483-G-A.
Other names: c.1135G>A, p.Ala379Thr (NM_001347722.2, NM_130436.2); c.1048G>A, p.Ala350Thr (NM_001347723.2); c.1162G>A, p.Ala388Thr (NM_001396.5, NM_101395.2, NM_130438.2); short protein forms A388T, A379T, A350T.
Identifiers: ClinVar variation 2717647 (VCV002717647.3), dbSNP rs2518048271, ClinGen allele CA409936922.